The following is an entry in ClinVar:

NM_006852.6(TLK2):c.1924G>A (p.Val642Met)

Gene: TLK2 (tousled like kinase 2; plus strand). Cytogenetic location: 17q23.2.
Variant type: single nucleotide variant.
Coding change: c.1924G>A on transcript NM_006852.6 (MANE Select); coding-DNA position 1924, G replaced by A.
Protein change: p.Val642Met; replaces valine 642 with methionine.
Molecular consequence: missense variant.
Genome position (GRCh38, 1-based): chr17:62,606,194, G>A. VCF-style: chr17-62606194-G-A. GRCh37 (hg19) VCF-style: chr17-60683555-G-A.
Other names: c.1990G>A, p.Val664Met (NM_001284333.3); c.1828G>A, p.Val610Met (NM_001284363.1, NM_001375272.1); c.1477G>A, p.Val493Met (NM_001330418.3, NM_001375273.1); c.1966G>A, p.Val656Met (NM_001375269.1); c.1924G>A, p.Val642Met (NM_001375270.1, NM_001375271.1); c.1639G>A, p.Val547Met (NM_001411074.1); short protein forms V493M, V547M, V610M, V642M, V656M, V664M.
Identifiers: ClinVar variation 3898826 (VCV003898826.2).

ClinVar aggregate classification (germline): Uncertain significance (1 of 4 stars; one submission).

Submission:

GeneDx
Classification: Uncertain significance. Last evaluated: 2026-07-02. Review status: criteria provided, single submitter. Criteria: GeneDx Variant Classification Process June 2021. Collection method: clinical testing. Allele origin: germline.
Comment: Not observed at significant frequency in large population cohorts (gnomAD); In silico analysis supports that this missense variant has a deleterious effect on protein structure/function; Has not been previously published as pathogenic or benign to our knowledge